The following is an entry in ClinVar:

NM_012275.3(IL36RN):c.29G>A (p.Arg10Gln)

Gene: IL36RN (interleukin 36 receptor antagonist; plus strand). Cytogenetic location: 2q14.1.
Variant type: single nucleotide variant.
Coding change: c.29G>A on transcript NM_012275.3 (MANE Select); coding-DNA position 29, G replaced by A.
Protein change: p.Arg10Gln; replaces arginine 10 with glutamine.
Molecular consequence: missense variant.
Genome position (GRCh38, 1-based): chr2:113,059,467, G>A. VCF-style: chr2-113059467-G-A. GRCh37 (hg19) VCF-style: chr2-113817044-G-A.
Other names: c.29G>A, p.Arg10Gln (NM_173170.1); short protein forms R10Q.
Identifiers: ClinVar variation 1055782 (VCV001055782.12), dbSNP rs752880718, ClinGen allele CA1838314.
Genomic context (GRCh38, chr2:113,059,467, plus strand): 5'-AATAGGGGAGTCTACACCCTGTGGAGCTCAAGATGGTCCTGAGTGGGGCGCTGTGCTTCC[G>A]GTGAGTGTATGAGGCCCTGGTTTGGTGGTGTCCTCCGGAGGAAGTGAGTTCTGGATAGAC-3'
Protein context (NP_036407.1, residues 1-20): MVLSGALCF[Arg10Gln]MKDSALKVLY

ClinVar aggregate classification (germline): Uncertain significance. Review status: criteria provided, multiple submitters, no conflicts (2 of 4 stars). 2 submissions from 2 submitters: Uncertain significance (2). Last evaluated 2025-11-26.

Conditions:
Autoinflammatory syndrome. Identifiers: Orphanet 93665, MedGen C3890737, MONDO:0019751.
Generalized pustular psoriasis. Identifiers: Orphanet 247353, MedGen C0343055, MONDO:0100491.

Allele frequency attached by ClinVar (database versions not stated): gnomAD 0.00001 and 0.00002; gnomAD exomes 0.00001 and 0.00002; TOPMed 0.00001; ExAC 0.00002.
gnomAD v4.1: 22 of 1,613,742 alleles (0.0014%); highest among the groups gnomAD compares: South Asian, 0.0066%; no homozygotes.

Submissions (2):

Labcorp Genetics (formerly Invitae), Labcorp
Classification: Uncertain significance for Generalized pustular psoriasis. Last evaluated: 2025-11-26. Review status: criteria provided, single submitter. Criteria: Invitae Variant Classification Sherloc (09022015). Collection method: clinical testing. Allele origin: germline.
Comment: This sequence change replaces arginine, which is basic and polar, with glutamine, which is neutral and polar, at codon 10 of the IL36RN protein (p.Arg10Gln). This variant also falls at the last nucleotide of exon 2, which is part of the consensus splice site for this exon. This variant is present in population databases (rs752880718, gnomAD 0.01%). This missense change has been observed in individual(s) with benign migratory glossitis (PMID: 27900482). ClinVar contains an entry for this variant (Variation ID: 1055782). An algorithm developed to predict the effect of missense changes on protein structure and function (PolyPhen-2) suggests that this variant is likely to be disruptive. Variants that disrupt the consensus splice site are a relatively common cause of aberrant splicing (PMID: 17576681, 9536098). Algorithms developed to predict the effect of sequence changes on RNA splicing suggest that this variant may disrupt the consensus splice site. In summary, the available evidence is currently insufficient to determine the role of this variant in disease. Therefore, it has been classified as a Variant of Uncertain Significance.

Genome Diagnostics Laboratory, The Hospital for Sick Children
Classification: Uncertain significance for Autoinflammatory syndrome. Last evaluated: 2019-05-01. Review status: criteria provided, single submitter. Criteria: ACMG Guidelines, 2015. Collection method: clinical testing. Allele origin: germline. Affected: yes.

Literature cited by the submitters: PubMed 27900482 (cited by Labcorp Genetics (formerly Invitae), Labcorp); PubMed 17576681 (cited by Labcorp Genetics (formerly Invitae), Labcorp); PubMed 9536098 (cited by Labcorp Genetics (formerly Invitae), Labcorp).